The following is an entry in ClinVar:

ClinVar aggregate classification (germline): Likely benign. Review status: criteria provided, multiple submitters, no conflicts (2 of 4 stars). 3 submissions from 3 submitters: Likely benign (3). Last evaluated 2026-08-04.

Conditions:
RINT1-related disorder. Also called: RINT1-related condition.

Allele frequency attached by ClinVar (database versions not stated): ExAC 0.00003; gnomAD exomes 0.00006; TOPMed 0.00008; gnomAD 0.00009 and 0.00010.
gnomAD v4.1: 189 of 1,614,006 alleles (0.012%); highest among the groups gnomAD compares: Non-Finnish European, 0.014%; no homozygotes.

Submissions (3):

PreventionGenetics, part of Exact Sciences
Classification: Likely benign for RINT1-related condition. Last evaluated: 2026-08-04. Review status: criteria provided, single submitter. Criteria: ACMG Guidelines, 2015. Collection method: clinical testing. Allele origin: germline.
Comment: This variant is classified as likely benign based on ACMG/AMP sequence variant interpretation guidelines (Richards et al. 2015 PMID: 25741868, with internal and published modifications).

Labcorp Genetics (formerly Invitae), Labcorp
Classification: Likely benign. Last evaluated: 2025-07-30. Review status: criteria provided, single submitter. Criteria: Invitae Variant Classification Sherloc (09022015). Collection method: clinical testing. Allele origin: germline.

Ambry Genetics
Classification: Likely benign. Last evaluated: 2020-10-21. Review status: criteria provided, single submitter. Criteria: Ambry Variant Classification Scheme 2023. Collection method: clinical testing. Allele origin: germline.

NM_021930.6(RINT1):c.387C>T (p.Ser129=)

Gene: RINT1 (RAD50 interactor 1; plus strand). Cytogenetic location: 7q22.3.
Variant type: single nucleotide variant.
Coding change: c.387C>T on transcript NM_021930.6 (MANE Select); coding-DNA position 387, C replaced by T.
Protein change: p.Ser129=; no amino-acid change (serine 129 retained).
Molecular consequence: synonymous variant. On other transcripts: 5 prime UTR variant (3), non-coding transcript variant (1).
Genome position (GRCh38, 1-based): chr7:105,542,521, C>T. VCF-style: chr7-105542521-C-T. GRCh37 (hg19) VCF-style: chr7-105182968-C-T.
Other names: c.153C>T, p.Ser51= (NM_001346599.2); c.-633C>T (NM_001346600.2); c.-536C>T (NM_001346601.2); c.-156C>T (NM_001346603.2); c.387C>T (NM_021930.5).
Identifiers: ClinVar variation 416395 (VCV000416395.15), dbSNP rs769363586, ClinGen allele CA4426412.
Genomic context (GRCh38, chr7:105,542,521, plus strand): 5'-TGCAGAAGAATCAAAGCAATTTCTTAATCAGTTTCTGGAGCAGGAAACTCATCTCTTCAG[C>T]GCCATTAACAGCCATTTGCTGACTGCGCAACCTTGGATGGACGATCTTGGAACCATGATT-3'
Protein context (NP_068749.3, residues 119-139): QFLEQETHLF[Ser129=]AINSHLLTAQ